The following is an entry in ClinVar:

NM_001654.5(ARAF):c.571C>T (p.His191Tyr)

Gene: ARAF (A-Raf proto-oncogene, serine/threonine kinase; plus strand). Cytogenetic location: Xp11.3.
Variant type: single nucleotide variant.
Coding change: c.571C>T on transcript NM_001654.5 (MANE Select); coding-DNA position 571, C replaced by T.
Protein change: p.His191Tyr; replaces histidine 191 with tyrosine.
Molecular consequence: missense variant.
Genome position (GRCh38, 1-based): chrX:47,566,652, C>T. VCF-style: chrX-47566652-C-T. GRCh37 (hg19) VCF-style: chrX-47426051-C-T.
Other names: c.580C>T, p.His194Tyr (NM_001256196.2); short protein forms H194Y, H191Y.
Identifiers: ClinVar variation 2511522 (VCV002511522.3), dbSNP rs372462744, ClinGen allele CA10398047.
Genomic context (GRCh38, chrX:47,566,652, plus strand): 5'-CGGTTCTCTGATTCCTGGCAGTGATTTCACAGCCTTTCCCCTGGCAGCCCCCGCACCCAG[C>T]ACTGTGACCCGGAGCACTTCCCCTTCCCTGCCCCAGCCAATGCCCCCCTACAGCGCATCC-3'
Protein context (NP_001645.1, residues 181-201): TPQGPSPRTQ[His191Tyr]CDPEHFPFPA

ClinVar aggregate classification (germline): Uncertain significance. Review status: criteria provided, multiple submitters, no conflicts (2 of 4 stars). 2 submissions from 2 submitters: Uncertain significance (2). Last evaluated 2024-06-12.

Allele frequency attached by ClinVar (database versions not stated): gnomAD 0.00006; TOPMed 0.00007; ExAC 0.00008; gnomAD exomes 0.00008; ESP Exome Variant Server 0.00009.
gnomAD v4.1: 97 of 1,172,409 alleles (0.0083%); highest among the groups gnomAD compares: Middle Eastern, 0.22%; no homozygotes.

Submissions (2):

Clinical Genomics Laboratory, Washington University in St. Louis
Classification: Uncertain significance. Last evaluated: 2024-06-12. Review status: criteria provided, single submitter. Criteria: ACMG Guidelines, 2015. Collection method: clinical testing. Allele origin: germline.
Comment: The ARAF c.571C>T (p.His191Tyr) variant was identified at near heterozygous allelic fraction of 49%, a frequency which may be consistent with it being of germline origin. This variant, to our knowledge, has not been reported in the medical literature and is only observed on 97/1,172,409 alleles in the general population (gnomAD v.4.1.0). The ARAF c.571C>T (p.His191Tyr) variant has been reported in the ClinVar database as a variant of uncertain significance in a germline state by one submitter (ClinVar Variation ID: 2511522). Computational predictors suggest that the variant does not impact ARAF function. Due to limited information, and based on ACMG/AMP guidelines for variant interpretation (Richards S et al., PMID: 25741868), the clinical significance of this variant is uncertain at this time.

Ambry Genetics
Classification: Uncertain significance. Last evaluated: 2023-04-06. Review status: criteria provided, single submitter. Criteria: Ambry Variant Classification Scheme 2023. Collection method: clinical testing. Allele origin: germline.